The following is an entry in ClinVar:

ClinVar aggregate classification (germline): Likely benign. Review status: criteria provided, multiple submitters, no conflicts (2 of 4 stars). 2 submissions from 2 submitters: Likely benign (2). Last evaluated 2022-08-01.

Conditions:
Mucopolysaccharidosis type 1. Also called: IDUA deficiency; MPS I; Mucopolysaccharidosis Type I. Identifiers: Orphanet 579, MedGen C0023786, MONDO:0001586.

Submissions (2):

CeGaT Center for Human Genetics Tuebingen
Classification: Likely benign. Last evaluated: 2022-08-01. Review status: criteria provided, single submitter. Criteria: CeGaT Center For Human Genetics Tuebingen Variant Classification Criteria Version 2. Collection method: clinical testing. Allele origin: germline. Affected: yes. Observed: 1 variant allele.
Comment: IDUA: PM2:Supporting, BP4, BP7

Labcorp Genetics (formerly Invitae), Labcorp
Classification: Likely benign for Mucopolysaccharidosis type 1. Last evaluated: 2021-11-17. Review status: criteria provided, single submitter. Criteria: Invitae Variant Classification Sherloc (09022015). Collection method: clinical testing. Allele origin: germline.

NM_000203.5(IDUA):c.162C>T (p.Pro54=)

Genes: IDUA (alpha-L-iduronidase; plus strand), SLC26A1 (solute carrier family 26 member 1; minus strand). Cytogenetic location: 4p16.3.
Variant type: single nucleotide variant.
Coding change: c.162C>T on transcript NM_000203.5 (MANE Select); coding-DNA position 162, C replaced by T.
Protein change: p.Pro54=; no amino-acid change (proline 54 retained).
Molecular consequence: synonymous variant. On other transcripts: 3 prime UTR variant (2), non-coding transcript variant (1), intron variant (1).
Genome position (GRCh38, 1-based): chr4:987,812, C>T. VCF-style: chr4-987812-C-T. GRCh37 (hg19) VCF-style: chr4-981600-C-T.
Other names: c.*1021G>A (NM_022042.4, NM_213613.4); c.576+3316G>A (NM_134425.4).
Identifiers: ClinVar variation 1458970 (VCV001458970.32), dbSNP rs1378930636, ClinGen allele CA437912486.
Genomic context (GRCh38, chr4:987,812, plus strand): 5'-GCCGCGCTGCCAGCCATGCTGAGGCTCGGGACTGAGCCGCCCCTTTGTTGTCCCCAGCCC[C>T]CCGCTGCCACACAGCCAGGCTGACCAGTACGTCCTCAGCTGGGACCAGCAGCTCAACCTC-3'
Protein context (NP_000194.2, residues 44-64): RRFWRSTGFC[Pro54=]PLPHSQADQY